The following is an entry in ClinVar:

NM_032119.4(ADGRV1):c.8311G>A (p.Val2771Met)

Gene: ADGRV1 (adhesion G protein-coupled receptor V1; plus strand). Cytogenetic location: 5q14.3.
Variant type: single nucleotide variant.
Coding change: c.8311G>A on transcript NM_032119.4 (MANE Select); coding-DNA position 8311, G replaced by A.
Protein change: p.Val2771Met; replaces valine 2771 with methionine.
Molecular consequence: missense variant. On other transcripts: non-coding transcript variant (1).
Genome position (GRCh38, 1-based): chr5:90,704,413, G>A. VCF-style: chr5-90704413-G-A. GRCh37 (hg19) VCF-style: chr5-90000230-G-A.
Other names: short protein forms V2771M.
Identifiers: ClinVar variation 1704129 (VCV001704129.5), dbSNP rs1327334926, ClinGen allele CA360389764.

ClinVar aggregate classification (germline): Uncertain significance. Review status: criteria provided, multiple submitters, no conflicts (2 of 4 stars). 2 submissions from 2 submitters: Uncertain significance (2). Last evaluated 2024-12-10.

Conditions:
Inborn genetic diseases. Identifiers: MedGen C0950123, MeSH D030342.

Allele frequency attached by ClinVar (database versions not stated): gnomAD exomes 0.00001; TOPMed 0.00001; gnomAD 0.00002.
gnomAD v4.1: 21 of 1,578,048 alleles (0.0013%); highest among the groups gnomAD compares: Admixed American, 0.013%; no homozygotes.

Submissions (2):

Ambry Genetics
Classification: Uncertain significance for Inborn genetic diseases. Last evaluated: 2024-12-10. Review status: criteria provided, single submitter. Criteria: Ambry Variant Classification Scheme 2023. Collection method: clinical testing. Allele origin: germline.

GeneDx
Classification: Uncertain significance. Last evaluated: 2023-07-12. Review status: criteria provided, single submitter. Criteria: GeneDx Variant Classification Process June 2021. Collection method: clinical testing. Allele origin: germline. Affected: yes.
Comment: Not observed at significant frequency in large population cohorts (gnomAD); In silico analysis supports that this missense variant does not alter protein structure/function; Has not been previously published as pathogenic or benign to our knowledge